The following is an entry in ClinVar:

ClinVar aggregate classification (germline): Uncertain significance. Review status: criteria provided, multiple submitters, no conflicts (2 of 4 stars). 2 submissions from 2 submitters: Uncertain significance (2). Last evaluated 2023-06-13.

Submissions (2):

GeneDx
Classification: Uncertain significance. Last evaluated: 2023-06-13. Review status: criteria provided, single submitter. Criteria: GeneDx Variant Classification Process June 2021. Collection method: clinical testing. Allele origin: germline. Affected: yes.
Comment: Not observed at significant frequency in large population cohorts (gnomAD); In silico analysis supports that this missense variant does not alter protein structure/function; Has not been previously published as pathogenic or benign to our knowledge

Labcorp Genetics (formerly Invitae), Labcorp
Classification: Uncertain significance. Last evaluated: 2023-03-20. Review status: criteria provided, single submitter. Criteria: Invitae Variant Classification Sherloc (09022015). Collection method: clinical testing. Allele origin: germline.
Comment: In summary, the available evidence is currently insufficient to determine the role of this variant in disease. Therefore, it has been classified as a Variant of Uncertain Significance. Advanced modeling of protein sequence and biophysical properties (such as structural, functional, and spatial information, amino acid conservation, physicochemical variation, residue mobility, and thermodynamic stability) performed at Invitae indicates that this missense variant is not expected to disrupt SETBP1 protein function. This variant has not been reported in the literature in individuals affected with SETBP1-related conditions. This variant is not present in population databases (gnomAD no frequency). This sequence change replaces proline, which is neutral and non-polar, with threonine, which is neutral and polar, at codon 506 of the SETBP1 protein (p.Pro506Thr).

NM_015559.3(SETBP1):c.1516C>A (p.Pro506Thr)

Gene: SETBP1 (SET binding protein 1; plus strand). Cytogenetic location: 18q12.3.
Variant type: single nucleotide variant.
Coding change: c.1516C>A on transcript NM_015559.3 (MANE Select); coding-DNA position 1516, C replaced by A.
Protein change: p.Pro506Thr; replaces proline 506 with threonine.
Molecular consequence: missense variant.
Genome position (GRCh38, 1-based): chr18:44,950,856, C>A. VCF-style: chr18-44950856-C-A. GRCh37 (hg19) VCF-style: chr18-42530821-C-A.
Other names: c.1516C>A, p.Pro506Thr (NM_001379141.1, NM_001379142.1, NM_001410862.1); c.1516C>A (NM_015559.2); short protein forms P506T.
Identifiers: ClinVar variation 2787279 (VCV002787279.4), dbSNP rs1448229815, ClinGen allele CA402318688.
Genomic context (GRCh38, chr18:44,950,856, plus strand): 5'-GCTGAGAAAGTTATCCCAGGAGGTGTGTCTAAGCCGCGGAAGCCACCCATGGTCATGACA[C>A]CTCCAACGTGCACAGATCACTCTCCATCCAGAAAGCTGCCAGAAATCCAGCATCCAAAAT-3'
Protein context (NP_056374.2, residues 496-516): KPRKPPMVMT[Pro506Thr]PTCTDHSPSR